The following is an entry in ClinVar:

ClinVar aggregate classification (germline): Uncertain significance (1 of 4 stars; one submission).

gnomAD v4.1: 2 of 971,938 alleles (0.00021%); highest among the groups gnomAD compares: East Asian, 0.0071%; no homozygotes.

Submission:

GeneDx
Classification: Uncertain significance. Last evaluated: 2026-03-26. Review status: criteria provided, single submitter. Criteria: GeneDx Variant Classification Process June 2021. Collection method: clinical testing. Allele origin: germline.
Comment: Not observed at significant frequency in large population cohorts (gnomAD); In silico analysis supports that this missense variant has a deleterious effect on protein structure/function; Has not been previously published as pathogenic or benign to our knowledge; Reported using an alternate transcript of the gene

NM_001323289.2(CDKL5):c.2858A>G (p.Asn953Ser)

Gene: CDKL5 (cyclin dependent kinase like 5; plus strand). Cytogenetic location: Xp22.13.
Variant type: single nucleotide variant.
Coding change: c.2858A>G on transcript NM_001323289.2 (MANE Select); coding-DNA position 2858, A replaced by G.
Protein change: p.Asn953Ser; replaces asparagine 953 with serine.
Molecular consequence: missense variant. On other transcripts: intron variant (2).
Genome position (GRCh38, 1-based): chrX:18,628,732, A>G. VCF-style: chrX-18628732-A-G. GRCh37 (hg19) VCF-style: chrX-18646852-A-G.
Other names: c.2713+145A>G (NM_003159.3, NM_001037343.2); short protein forms N953S.
Identifiers: ClinVar variation 5017578 (VCV005017578.1).